The following is an entry in ClinVar:

NM_001100.4(ACTA1):c.980T>A (p.Met327Lys)

Gene: ACTA1 (actin alpha 1, skeletal muscle; minus strand). Cytogenetic location: 1q42.13.
Variant type: single nucleotide variant.
Coding change: c.980T>A on transcript NM_001100.4 (MANE Select); coding-DNA position 980, T replaced by A.
Protein change: p.Met327Lys; replaces methionine 327 with lysine.
Molecular consequence: missense variant.
Genome position (GRCh38, 1-based): chr1:229,431,731, A>T on the plus strand (T>A on the coding strand, the complement: ACTA1 is on the minus strand). VCF-style: chr1-229431731-A-T. GRCh37 (hg19) VCF-style: chr1-229567478-A-T.
Other names: short protein forms M327K.
Identifiers: ClinVar variation 1479985 (VCV001479985.6), dbSNP rs2102735175, ClinGen allele CA345145294.

ClinVar aggregate classification (germline): Likely pathogenic (1 of 4 stars; one submission).

Conditions:
Actin accumulation myopathy (CMYO2A). Also called: CONGENITAL MYOPATHY 2A, TYPICAL, AUTOSOMAL DOMINANT; Myopathy, actin, congenital, with cores; Nemaline myopathy 3, with intranuclear rods; Nemaline myopathy type 3; Myopathy, actin, congenital, with excess of thin myofilaments. Identifiers: Orphanet 98904, MedGen C3711389, MONDO:0008070, OMIM 161800.

Submission:

Labcorp Genetics (formerly Invitae), Labcorp
Classification: Likely pathogenic for Actin accumulation myopathy. Last evaluated: 2021-10-09. Review status: criteria provided, single submitter. Criteria: Invitae Variant Classification Sherloc (09022015). Collection method: clinical testing. Allele origin: germline.
Comment: Advanced modeling of protein sequence and biophysical properties (such as structural, functional, and spatial information, amino acid conservation, physicochemical variation, residue mobility, and thermodynamic stability) performed at Invitae indicates that this missense variant is expected to disrupt ACTA1 protein function. In summary, the currently available evidence indicates that the variant is pathogenic, but additional data are needed to prove that conclusively. Therefore, this variant has been classified as Likely Pathogenic. This variant is also known as M326K. This missense change has been observed in individuals with clinical features of autosomal dominant ACTA1-related conditions (PMID: 24642510; Invitae). This variant is not present in population databases (ExAC no frequency). This sequence change replaces methionine with lysine at codon 327 of the ACTA1 protein (p.Met327Lys). The methionine residue is highly conserved and there is a moderate physicochemical difference between methionine and lysine.

Literature cited by the submitters: PubMed 24642510.